The following is an entry in ClinVar:

ClinVar aggregate classification (germline): Uncertain significance (1 of 4 stars; one submission).

Conditions:
Arrhythmogenic right ventricular dysplasia 10. Also called: Arrhythmogenic Right Ventricular Dysplasia/Cardiomyopathy10; ARRHYTHMOGENIC RIGHT VENTRICULAR DYSPLASIA, FAMILIAL, 10; Arrhythmogenic right ventricular dysplasia/cardiomyopathy, type 10. Identifiers: MedGen C1857777, MONDO:0012434, OMIM 610193.

Submission:

Labcorp Genetics (formerly Invitae), Labcorp
Classification: Uncertain significance for Arrhythmogenic right ventricular dysplasia 10. Last evaluated: 2024-07-24. Review status: criteria provided, single submitter. Criteria: Invitae Variant Classification Sherloc (09022015). Collection method: clinical testing. Allele origin: germline.
Comment: This sequence change replaces glutamic acid, which is acidic and polar, with lysine, which is basic and polar, at codon 937 of the DSG2 protein (p.Glu937Lys). This variant is not present in population databases (gnomAD no frequency). This variant has not been reported in the literature in individuals affected with DSG2-related conditions. Advanced modeling of protein sequence and biophysical properties (such as structural, functional, and spatial information, amino acid conservation, physicochemical variation, residue mobility, and thermodynamic stability) performed at Invitae indicates that this missense variant is not expected to disrupt DSG2 protein function with a negative predictive value of 95%. In summary, the available evidence is currently insufficient to determine the role of this variant in disease. Therefore, it has been classified as a Variant of Uncertain Significance.

NM_001943.5(DSG2):c.2809G>A (p.Glu937Lys)

Genes: DSG2 (desmoglein 2; plus strand), DSG2-AS1 (DSG2 antisense RNA 1; minus strand). Cytogenetic location: 18q12.1.
Variant type: single nucleotide variant.
Coding change: c.2809G>A on transcript NM_001943.5 (MANE Select); coding-DNA position 2809, G replaced by A.
Protein change: p.Glu937Lys; replaces glutamic acid 937 with lysine.
Molecular consequence: missense variant.
Genome position (GRCh38, 1-based): chr18:31,546,195, G>A. VCF-style: chr18-31546195-G-A. GRCh37 (hg19) VCF-style: chr18-29126158-G-A.
Other names: short protein forms E937K.
Identifiers: ClinVar variation 3687958 (VCV003687958.2).
Genomic context (GRCh38, chr18:31,546,195, plus strand): 5'-GCGCAAAAGGTAGCTACACCTCTTCCTGACCCAATGGCTTCTAGAAATGTGATAGCAACA[G>A]AAACTTCCTATGTCACAGGGTCCACTATGCCACCAACCACTGTGATCCTGGGTCCTAGCC-3'
Protein context (NP_001934.2, residues 927-947): PMASRNVIAT[Glu937Lys]TSYVTGSTMP